The following is an entry in ClinVar:

NM_177438.3(DICER1):c.1115T>G (p.Phe372Cys)

Gene: DICER1 (dicer 1, ribonuclease III; minus strand). Cytogenetic location: 14q32.13.
Variant type: single nucleotide variant.
Coding change: c.1115T>G on transcript NM_177438.3 (MANE Select); coding-DNA position 1115, T replaced by G.
Protein change: p.Phe372Cys; replaces phenylalanine 372 with cysteine.
Molecular consequence: missense variant.
Genome position (GRCh38, 1-based): chr14:95,124,457, A>C on the plus strand (T>G on the coding strand, the complement: DICER1 is on the minus strand). VCF-style: chr14-95124457-A-C. GRCh37 (hg19) VCF-style: chr14-95590794-A-C.
Other names: c.1115T>G (NM_177438.2); c.1115T>G, p.Phe372Cys (NM_001195573.1, NM_001271282.3, NM_001291628.2 and 1 more transcripts); short protein forms F372C.
Identifiers: ClinVar variation 1425191 (VCV001425191.8), dbSNP rs2140205154, ClinGen allele CA390886927.
Genomic context (GRCh38, chr14:95,124,457, plus strand): 5'-CGCTCATATGGTTTATATTTGCGTAAGATTTCGAGCAGTTTGATTACTTTAGGAGTTACA[A>C]ATTTCAGGTCAAGTGAGGCAGGTGAGAAGTGCTCTTCACATAGTGCATGTATTTTCCTTA-3'
Protein context (NP_803187.1, residues 362-382): HFSPASLDLK[Phe372Cys]VTPKVIKLLE

ClinVar aggregate classification (germline): Uncertain significance. Review status: criteria provided, multiple submitters, no conflicts (2 of 4 stars). 2 submissions from 2 submitters: Uncertain significance (2). Last evaluated 2024-10-16.

Conditions:
DICER1-related tumor predisposition. Also called: DICER1-related pleuropulmonary blastoma cancer predisposition syndrome; DICER1 syndrome. Identifiers: Orphanet 284343, MedGen C3839822, MONDO:0100216.
Hereditary cancer-predisposing syndrome. Also called: Hereditary neoplastic syndrome; Tumor predisposition; Hereditary Cancer Syndrome; Neoplastic Syndromes, Hereditary. Identifiers: Orphanet 140162, MedGen C0027672, MeSH D009386, MONDO:0015356.

Submissions (2):

Labcorp Genetics (formerly Invitae), Labcorp
Classification: Uncertain significance for DICER1-related tumor predisposition. Last evaluated: 2024-10-16. Review status: criteria provided, single submitter. Criteria: Invitae Variant Classification Sherloc (09022015). Collection method: clinical testing. Allele origin: germline.
Comment: This sequence change replaces phenylalanine, which is neutral and non-polar, with cysteine, which is neutral and slightly polar, at codon 372 of the DICER1 protein (p.Phe372Cys). This variant is not present in population databases (gnomAD no frequency). This variant has not been reported in the literature in individuals affected with DICER1-related conditions. ClinVar contains an entry for this variant (Variation ID: 1425191). Invitae Evidence Modeling of protein sequence and biophysical properties (such as structural, functional, and spatial information, amino acid conservation, physicochemical variation, residue mobility, and thermodynamic stability) indicates that this missense variant is not expected to disrupt DICER1 protein function with a negative predictive value of 95%. In summary, the available evidence is currently insufficient to determine the role of this variant in disease. Therefore, it has been classified as a Variant of Uncertain Significance.

Ambry Genetics
Classification: Uncertain significance for Hereditary cancer-predisposing syndrome. Last evaluated: 2024-09-08. Review status: criteria provided, single submitter. Criteria: Ambry Variant Classification Scheme 2023. Collection method: clinical testing. Allele origin: germline.
Comment: The p.F372C variant (also known as c.1115T>G), located in coding exon 7 of the DICER1 gene, results from a T to G substitution at nucleotide position 1115. The phenylalanine at codon 372 is replaced by cysteine, an amino acid with highly dissimilar properties. This amino acid position is conserved. In addition, this alteration is predicted to be tolerated by in silico analysis. Based on the available evidence, the clinical significance of this variant remains unclear.